The following is an entry in ClinVar:

NM_000059.4(BRCA2):c.2103_2106del (p.Phe701fs)

Gene: BRCA2 (BRCA2 DNA repair associated; plus strand). Cytogenetic location: 13q13.1.
Variant type: Microsatellite.
Coding change: c.2103_2106del on transcript NM_000059.4 (MANE Select); coding-DNA positions 2103 to 2106, 4 bases deleted (TATT; older notation c.2103_2106delTATT).
Protein change: p.Phe701fs; shifts the reading frame from phenylalanine 701.
Molecular consequence: frameshift variant.
Genome position (GRCh38, 1-based): chr13:32,336,458-32,336,461, TATT deleted; deleting any 4 consecutive bases within chr13:32,336,453-32,336,461 gives the same sequence; the c. name uses the placement nearest the transcript's 3' end. VCF-style (leftmost placement, unchanged base first): chr13-32336452-GTTAT-G. GRCh37 (hg19) VCF-style: chr13-32910589-GTTAT-G.
Other names: 2331del4; c.2103_2106delTATT (NM_000059.3); short protein forms F701fs.
Identifiers: ClinVar variation 51244 (VCV000051244.27), dbSNP rs80359324, ClinGen allele CA014354.
Genomic context (GRCh38, chr13:32,336,452, plus strand): 5'-TACAGTAATCTCTCAGGATCTTGATTATAAAGAAGCAAAATGTAATAAGGAAAAACTACA[GTTAT>G]TTATTACCCCAGAAGCTGATTCTCTGTCATGCCTGCAGGAAGGACAGTGTGAAAATGATC-3'

ClinVar aggregate classification (germline): Pathogenic. Review status: reviewed by expert panel (3 of 4 stars). 11 submissions from 11 submitters: Pathogenic (1). 10 of the submissions do not count toward it. Last evaluated 2016-09-08.

Conditions:
Hereditary breast ovarian cancer syndrome. Also called: Hereditary breast and ovarian cancer syndrome; Hereditary breast and ovarian cancer; Hereditary breast and ovarian cancer syndrome (HBOC); Breast and ovarian cancer; Hereditary breast and/or ovarian cancer syndrome; BRCA1- and BRCA2-Associated Hereditary Breast and Ovarian Cancer. Identifiers: Orphanet 145, MedGen C0677776, MeSH D061325, MONDO:0003582. Disease mechanism: loss of function.
Hereditary cancer-predisposing syndrome. Also called: Neoplastic Syndromes, Hereditary; Tumor predisposition; Hereditary Cancer Syndrome; Hereditary neoplastic syndrome. Identifiers: Orphanet 140162, MedGen C0027672, MeSH D009386, MONDO:0015356.
Breast-ovarian cancer, familial, susceptibility to, 2 (BROVCA2). Also called: BRCA2 Hereditary Breast and Ovarian Cancer. Identifiers: Orphanet 145, MedGen C2675520, MONDO:0012933, OMIM 612555. Disease mechanism: loss of function.
Familial cancer of breast. Also called: BREAST CANCER, FAMILIAL; Hereditary breast cancer; hereditary breast carcinoma. Identifiers: Orphanet 227535, MedGen C0346153, MONDO:0016419, OMIM 114480. Disease mechanism: loss of function.

Submissions (11):

Evidence-based Network for the Interpretation of Germline Mutant Alleles (ENIGMA)
Classification: Pathogenic for Breast-ovarian cancer, familial, susceptibility to, 2. Last evaluated: 2016-09-08. Review status: reviewed by expert panel. Criteria: ENIGMA BRCA1/2 Classification Criteria (2015). Collection method: curation. Allele origin: germline.
Comment: Variant allele predicted to encode a truncated non-functional protein.

Women's Health and Genetics/Laboratory Corporation of America, LabCorp
Classification: Pathogenic for Hereditary breast ovarian cancer syndrome. Last evaluated: 2025-09-22. Review status: criteria provided, single submitter. Criteria: LabCorp Variant Classification Summary - May 2015. Collection method: clinical testing. Allele origin: germline. Not counted in ClinVar's aggregate classification.
Comment: Variant summary: BRCA2 c.2103_2106delTATT (p.Phe701LeufsX28) results in a premature termination codon, predicted to cause absence of the protein due to nonsense mediated decay, which is a commonly known mechanism for disease. The variant was absent in 250642 control chromosomes. c.2103_2106delTATT has been observed in at-least one individual affected with Hereditary Breast Cancer (example, Nedelcu_2002) . To our knowledge, no experimental evidence demonstrating an impact on protein function has been reported. The following publication has been ascertained in the context of this evaluation (PMID: 11938448). ClinVar contains an entry for this variant (Variation ID: 51244). Based on the evidence outlined above, the variant was classified as pathogenic.

Labcorp Genetics (formerly Invitae), Labcorp
Classification: Pathogenic for Hereditary breast ovarian cancer syndrome. Last evaluated: 2024-06-12. Review status: criteria provided, single submitter. Criteria: Invitae Variant Classification Sherloc (09022015). Collection method: clinical testing. Allele origin: germline. Not counted in ClinVar's aggregate classification.
Comment: This sequence change creates a premature translational stop signal (p.Phe701Leufs*28) in the BRCA2 gene. It is expected to result in an absent or disrupted protein product. Loss-of-function variants in BRCA2 are known to be pathogenic (PMID: 20104584). This variant is not present in population databases (gnomAD no frequency). This premature translational stop signal has been observed in individual(s) with breast and/or ovarian cancer (PMID: 11938448). This variant is also known as c.2331delTATT. ClinVar contains an entry for this variant (Variation ID: 51244). For these reasons, this variant has been classified as Pathogenic.

Baylor Genetics
Classification: Pathogenic for Familial cancer of breast. Last evaluated: 2022-09-02. Review status: criteria provided, single submitter. Criteria: ACMG Guidelines, 2015. Collection method: clinical testing. Allele origin: unknown. Not counted in ClinVar's aggregate classification.

Ambry Genetics
Classification: Pathogenic for Hereditary cancer-predisposing syndrome. Last evaluated: 2022-02-04. Review status: criteria provided, single submitter. Criteria: Ambry Variant Classification Scheme 2023. Collection method: clinical testing. Allele origin: germline. Not counted in ClinVar's aggregate classification.
Comment: The c.2103_2106delTATT pathogenic mutation, located in coding exon 10 of the BRCA2 gene, results from a deletion of 4 nucleotides at nucleotide positions 2103 to 2106, causing a translational frameshift with a predicted alternate stop codon (p.F701Lfs*28). This alteration was also identified in a large, worldwide study of BRCA1/2 mutation positive families (Rebbeck TR et al. Hum Mutat, 2018 05;39:593-620). Of note, this alteration is also designated as 2331delTATT in published literature. This variant is considered to be rare based on population cohorts in the Genome Aggregation Database (gnomAD). In addition to the clinical data presented in the literature, this alteration is expected to result in loss of function by premature protein truncation or nonsense-mediated mRNA decay. As such, this alteration is interpreted as a disease-causing mutation.

Color Diagnostics, LLC DBA Color Health
Classification: Pathogenic for Hereditary cancer-predisposing syndrome. Last evaluated: 2020-01-15. Review status: criteria provided, single submitter. Criteria: ACMG Guidelines, 2015. Collection method: clinical testing. Allele origin: germline. Not counted in ClinVar's aggregate classification.
Comment: This variant deletes 4 nucleotides in exon 11 of the BRCA2 gene, creating a frameshift and premature translation stop signal. This variant is expected to result in an absent or non-functional protein product. This variant has not been identified in the general population by the Genome Aggregation Database (gnomAD). Loss of BRCA2 function is a known mechanism of disease. Based on the available evidence, this variant is classified as Pathogenic.

ARUP Laboratories, Molecular Genetics and Genomics, ARUP Laboratories
Classification: Pathogenic. Last evaluated: 2017-01-13. Review status: criteria provided, single submitter. Criteria: ARUP Molecular Germline Variant Investigation Process. Collection method: clinical testing. Allele origin: germline. Not counted in ClinVar's aggregate classification.

Consortium of Investigators of Modifiers of BRCA1/2 (CIMBA), c/o University of Cambridge
Classification: Pathogenic for Breast-ovarian cancer, familial, susceptibility to, 2. Last evaluated: 2015-10-02. Review status: criteria provided, single submitter. Criteria: CIMBA Mutation Classification guidelines May 2016. Collection method: clinical testing. Allele origin: germline. Not counted in ClinVar's aggregate classification.

BRCAlab, Lund University
Classification: Pathogenic for Breast-ovarian cancer, familial, susceptibility to, 2. Last evaluated: 2020-03-02. Review status: no assertion criteria provided. Collection method: clinical testing. Allele origin: germline. Affected: yes. Not counted in ClinVar's aggregate classification.

Research Molecular Genetics Laboratory, Women's College Hospital, University of Toronto
Classification: Pathogenic for Hereditary breast ovarian cancer syndrome. Last evaluated: 2014-01-31. Review status: no assertion criteria provided. Collection method: research. Allele origin: germline. Affected: yes. Study: The Canadian Open Genetics Repository (COGR). Not counted in ClinVar's aggregate classification.

Breast Cancer Information Core (BIC) (BRCA2)
Classification: Pathogenic for Breast-ovarian cancer, familial 2. Last evaluated: 1999-06-21. Review status: no assertion criteria provided. Collection method: clinical testing. Allele origin: germline. Affected: yes. Observed: 1 variant allele. Not counted in ClinVar's aggregate classification.

Literature cited by the submitters: PubMed 11938448 (cited by Women's Health and Genetics/Laboratory Corporation of America, LabCorp and Labcorp Genetics (formerly Invitae), Labcorp); PubMed 20104584 (cited by Labcorp Genetics (formerly Invitae), Labcorp); PubMed 29446198 (cited by Ambry Genetics).